The following is an entry in ClinVar:

ClinVar aggregate classification (germline): Benign/Likely benign. Review status: criteria provided, multiple submitters, no conflicts (2 of 4 stars). 5 submissions from 5 submitters: Benign (3); Likely benign (1). 1 of the submissions does not count toward it. Last evaluated 2024-08-29.

Conditions:
Early-infantile DEE. Also called: Early infantile epileptic encephalopathy; Early infantile epileptic encephalopathy with suppression bursts; Ohtahara syndrome. Identifiers: Orphanet 1934, MedGen C0393706, MONDO:0800491.
SCN1A-related disorder. Also called: SCN1A-related disorders; SCN1A-related conditions; SCN1A-related condition.

Allele frequency attached by ClinVar (database versions not stated): gnomAD below 0.00001 and 0.00005; TOPMed 0.00002; gnomAD exomes 0.00013 and 0.00024; ExAC 0.00028.
gnomAD v4.1: 205 of 1,614,100 alleles (0.013%); highest among the groups gnomAD compares: South Asian, 0.19%; 1 homozygote.

Submissions (5):

Labcorp Genetics (formerly Invitae), Labcorp
Classification: Benign for Early-infantile DEE. Last evaluated: 2024-08-29. Review status: criteria provided, single submitter. Criteria: Invitae Variant Classification Sherloc (09022015). Collection method: clinical testing. Allele origin: germline.

Blueprint Genetics
Classification: Likely benign. Last evaluated: 2024-07-11. Review status: criteria provided, single submitter. Criteria: ACMG Guidelines, 2015. Collection method: clinical testing. Allele origin: germline.

CeGaT Center for Human Genetics Tuebingen
Classification: Benign. Last evaluated: 2022-09-01. Review status: criteria provided, single submitter. Criteria: CeGaT Center For Human Genetics Tuebingen Variant Classification Criteria Version 2. Collection method: clinical testing. Allele origin: germline. Affected: yes. Observed: 1 variant allele.
Comment: SCN1A: BS1, BS2

GeneDx
Classification: Benign. Last evaluated: 2013-05-28. Review status: criteria provided, single submitter. Criteria: GeneDx Variant Classification (06012015). Collection method: clinical testing. Allele origin: germline. Affected: yes.
Comment: This variant is considered likely benign or benign based on one or more of the following criteria: it is a conservative change, it occurs at a poorly conserved position in the protein, it is predicted to be benign by multiple in silico algorithms, and/or has population frequency not consistent with disease.

PreventionGenetics, part of Exact Sciences
Classification: Likely benign for SCN1A-related condition. Last evaluated: 2023-11-27. Review status: no assertion criteria provided. Collection method: clinical testing. Allele origin: germline. Not counted in ClinVar's aggregate classification.
Comment: This variant is classified as likely benign based on ACMG/AMP sequence variant interpretation guidelines (Richards et al. 2015 PMID: 25741868, with internal and published modifications).

NM_001165963.4(SCN1A):c.1539A>G (p.Glu513=)

Gene: SCN1A (sodium voltage-gated channel alpha subunit 1; minus strand). Cytogenetic location: 2q24.3.
Variant type: single nucleotide variant.
Coding change: c.1539A>G on transcript NM_001165963.4 (MANE Select); coding-DNA position 1539, A replaced by G.
Protein change: p.Glu513=; no amino-acid change (glutamic acid 513 retained).
Molecular consequence: synonymous variant. On other transcripts: 5 prime UTR variant (1), non-coding transcript variant (1).
Genome position (GRCh38, 1-based): chr2:166,045,166, T>C on the plus strand (A>G on the coding strand, the complement: SCN1A is on the minus strand). VCF-style: chr2-166045166-T-C. GRCh37 (hg19) VCF-style: chr2-166901676-T-C.
Other names: p.E513E:GAA>GAG; c.1539A>G, p.Glu513= (NM_001165964.3, NM_001202435.3, NM_001353948.2 and 7 more transcripts); c.1536A>G, p.Glu512= (NM_001353954.2, NM_001353955.2, NM_001353960.2); c.-887A>G (NM_001353961.2); c.1539A>G (NM_001202435.1).
Identifiers: ClinVar variation 138974 (VCV000138974.42), dbSNP rs587781144, ClinGen allele CA293162.